The following is an entry in ClinVar:

NM_153704.6(TMEM67):c.2161C>T (p.Pro721Ser)

Gene: TMEM67 (transmembrane protein 67; plus strand). Cytogenetic location: 8q22.1.
Variant type: single nucleotide variant.
Coding change: c.2161C>T on transcript NM_153704.6 (MANE Select); coding-DNA position 2161, C replaced by T.
Protein change: p.Pro721Ser; replaces proline 721 with serine.
Molecular consequence: missense variant. On other transcripts: non-coding transcript variant (1).
Genome position (GRCh38, 1-based): chr8:93,799,678, C>T. VCF-style: chr8-93799678-C-T. GRCh37 (hg19) VCF-style: chr8-94811906-C-T.
Other names: p.Pro721Ser; c.1918C>T, p.Pro640Ser (NM_001142301.1); short protein forms P640S, P721S.
Identifiers: ClinVar variation 126302 (VCV000126302.73), dbSNP rs116445698, ClinGen allele CA150995.

ClinVar aggregate classification (germline): Conflicting classifications of pathogenicity. Review status: criteria provided, conflicting classifications (1 of 4 stars). 12 submissions from 10 submitters: Uncertain significance (2); Benign (3); Likely benign (7). Last evaluated 2026-08-01.

Conditions:
TMEM67-related disorder. Also called: TMEM67-related disorders; TMEM67-related condition. Identifiers: MedGen CN239423.
Meckel-Gruber syndrome. Also called: DYSENCEPHALIA SPLANCHNOCYSTICA; GRUBER SYNDROME; Dysencephalia splachnocystica. Identifiers: Orphanet 564, MedGen C0265215, MONDO:0018921.
Joubert syndrome. Also called: Familial aplasia of the vermis; JOUBERT-BOLTSHAUSER SYNDROME. Identifiers: Orphanet 475, MedGen C5979921, MONDO:0018772.
Nephronophthisis 11 (NPHP11). Identifiers: Orphanet 84081, MedGen C3150796, MONDO:0013302, OMIM 613550.
Meckel syndrome, type 3 (MKS3). Also called: MECKEL-GRUBER SYNDROME, TYPE 3. Identifiers: Orphanet 564, MedGen C1846357, MONDO:0011821, OMIM 607361.
Joubert syndrome 6 (JBTS6). Identifiers: Orphanet 475, MedGen C1853153, MONDO:0012539, OMIM 610688.

Allele frequency attached by ClinVar (database versions not stated): 1000 Genomes Project 30x 0.00062; 1000 Genomes Project 0.00080; gnomAD 0.00266 and 0.00278; gnomAD exomes 0.00273 and 0.00450; TOPMed 0.00277; ExAC 0.00300; ESP Exome Variant Server 0.00377.
gnomAD v4.1: 6,940 of 1,613,572 alleles (0.43%); highest among the groups gnomAD compares: Non-Finnish European, 0.54%; 22 homozygotes.

Submissions (12):

CeGaT Center for Human Genetics Tuebingen
Classification: Likely benign. Last evaluated: 2026-08-01. Review status: criteria provided, single submitter. Criteria: CeGaT Center For Human Genetics Tuebingen Variant Classification Criteria Version 2. Collection method: clinical testing. Allele origin: germline. Affected: yes. Observed: 14 variant alleles.
Comment: TMEM67: BP4, BS2

PreventionGenetics, part of Exact Sciences
Classification: Likely benign for TMEM67-related condition. Last evaluated: 2026-07-13. Review status: criteria provided, single submitter. Criteria: ACMG Guidelines, 2015. Collection method: clinical testing. Allele origin: germline.
Comment: This variant is classified as likely benign based on ACMG/AMP sequence variant interpretation guidelines (Richards et al. 2015 PMID: 25741868, with internal and published modifications).

Labcorp Genetics (formerly Invitae), Labcorp
Classification: Benign for Joubert syndrome; Meckel-Gruber syndrome. Last evaluated: 2026-01-29. Review status: criteria provided, single submitter. Criteria: Invitae Variant Classification Sherloc (09022015). Collection method: clinical testing. Allele origin: germline.

Mayo Clinic Laboratories, Mayo Clinic
Classification: Likely benign. Last evaluated: 2025-12-07. Review status: criteria provided, single submitter. Criteria: ACMG Guidelines, 2015. Collection method: clinical testing. Allele origin: germline. Observed: 3 variant alleles.
Comment: BS1

Blueprint Genetics
Classification: Likely benign. Last evaluated: 2024-11-22. Review status: criteria provided, single submitter. Criteria: ACMG Guidelines, 2015. Collection method: clinical testing. Allele origin: germline.

GeneDx
Classification: Likely benign. Last evaluated: 2020-03-14. Review status: criteria provided, single submitter. Criteria: GeneDx Variant Classification Process June 2021. Collection method: clinical testing. Allele origin: germline. Affected: yes.

Illumina Laboratory Services, Illumina
Classification: Likely benign for Joubert syndrome 6. Last evaluated: 2017-04-27. Review status: criteria provided, single submitter. Criteria: ICSL Variant Classification Criteria 13 December 2019. Collection method: clinical testing. Allele origin: germline.
Comment: This variant was observed as part of a predisposition screen in an ostensibly healthy population. A literature search was performed for the gene, cDNA change, and amino acid change (where applicable). No publications were found based on this search. Allele frequency data from public databases allowed determination this variant is unlikely to cause disease. Therefore, this variant is classified as likely benign.

Illumina Laboratory Services, Illumina
Classification: Uncertain significance for Meckel syndrome, type 3. Last evaluated: 2017-04-27. Review status: criteria provided, single submitter. Criteria: ICSL Variant Classification Criteria 13 December 2019. Collection method: clinical testing. Allele origin: germline.

Illumina Laboratory Services, Illumina
Classification: Uncertain significance for Nephronophthisis 11. Last evaluated: 2017-04-27. Review status: criteria provided, single submitter. Criteria: ICSL Variant Classification Criteria 13 December 2019. Collection method: clinical testing. Allele origin: germline.

Center for Pediatric Genomic Medicine, Children's Mercy Hospital and Clinics
Classification: Likely benign. Last evaluated: 2016-07-22. Review status: criteria provided, single submitter. Criteria: ACMG Guidelines, 2015. Collection method: clinical testing. Allele origin: germline.
ClinVar note: Converted during submission from Likely Benign to Likely benign.

Eurofins Ntd Llc (ga)
Classification: Benign. Last evaluated: 2015-04-09. Review status: criteria provided, single submitter. Criteria: EGL Classification Definitions 2015. Collection method: clinical testing. Allele origin: germline. Observed: 1 variant allele, 1 heterozygote.

Genetic Services Laboratory, University of Chicago
Classification: Benign for AllHighlyPenetrant. Last evaluated: 2013-08-02. Review status: criteria provided, single submitter. Criteria: ACMG Guidelines, 2007. Collection method: clinical testing. Allele origin: germline. Inheritance: Autosomal recessive inheritance. Observed: 3 variant alleles.